The following is an entry in ClinVar:

NM_001379200.1(TBX1):c.55G>C (p.Val19Leu)

Gene: TBX1 (T-box transcription factor 1; plus strand). Cytogenetic location: 22q11.21.
Variant type: single nucleotide variant.
Coding change: c.55G>C on transcript NM_001379200.1 (MANE Select); coding-DNA position 55, G replaced by C.
Protein change: p.Val19Leu; replaces valine 19 with leucine.
Molecular consequence: missense variant. On other transcripts: intron variant (3).
Genome position (GRCh38, 1-based): chr22:19,760,898, G>C. VCF-style: chr22-19760898-G-C. GRCh37 (hg19) VCF-style: chr22-19748421-G-C.
Other names: c.35-7G>C (NM_005992.1, NM_080646.2, NM_080647.1); short protein forms V19L.
Identifiers: ClinVar variation 668147 (VCV000668147.1), dbSNP rs1601282690, ClinGen allele CA915952577.

ClinVar aggregate classification (germline): Likely benign (1 of 4 stars; one submission).

Submission:

GeneDx
Classification: Likely benign. Last evaluated: 2018-05-12. Review status: criteria provided, single submitter. Criteria: GeneDx Variant Classification (06012015). Collection method: clinical testing. Allele origin: germline. Affected: yes.
Comment: This variant is considered likely benign or benign based on one or more of the following criteria: it is a conservative change, it occurs at a poorly conserved position in the protein, it is predicted to be benign by multiple in silico algorithms, and/or has population frequency not consistent with disease.